The following is an entry in ClinVar:

ClinVar aggregate classification (germline): Uncertain significance (1 of 4 stars; one submission).

Conditions:
Spastic paraplegia. Identifiers: MedGen C0037772, HP:0001258.

Allele frequency attached by ClinVar (database versions not stated): gnomAD exomes below 0.00001 and 0.00002; ExAC 0.00002; gnomAD 0.00002; TOPMed 0.00002; ESP Exome Variant Server 0.00015.

Submission:

Labcorp Genetics (formerly Invitae), Labcorp
Classification: Uncertain significance for Spastic paraplegia. Last evaluated: 2021-09-01. Review status: criteria provided, single submitter. Criteria: Invitae Variant Classification Sherloc (09022015). Collection method: clinical testing. Allele origin: germline.
Comment: This sequence change replaces histidine with tyrosine at codon 130 of the GBA2 protein (p.His130Tyr). The histidine residue is weakly conserved and there is a moderate physicochemical difference between histidine and tyrosine. This variant is present in population databases (rs143493395, ExAC 0.005%). This variant has not been reported in the literature in individuals affected with GBA2-related conditions. Algorithms developed to predict the effect of missense changes on protein structure and function (SIFT, PolyPhen-2, Align-GVGD) all suggest that this variant is likely to be tolerated. In summary, the available evidence is currently insufficient to determine the role of this variant in disease. Therefore, it has been classified as a Variant of Uncertain Significance.

NM_020944.3(GBA2):c.388C>T (p.His130Tyr)

Gene: GBA2 (glucosylceramidase beta 2; minus strand). Cytogenetic location: 9p13.3.
Variant type: single nucleotide variant.
Coding change: c.388C>T on transcript NM_020944.3 (MANE Select); coding-DNA position 388, C replaced by T.
Protein change: p.His130Tyr; replaces histidine 130 with tyrosine.
Molecular consequence: missense variant.
Genome position (GRCh38, 1-based): chr9:35,744,678, G>A on the plus strand (C>T on the coding strand, the complement: GBA2 is on the minus strand). VCF-style: chr9-35744678-G-A. GRCh37 (hg19) VCF-style: chr9-35744675-G-A.
Other names: c.388C>T, p.His130Tyr (NM_001330660.2); short protein forms H130Y.
Identifiers: ClinVar variation 411200 (VCV000411200.6), dbSNP rs143493395, ClinGen allele CA5050733.